The following is an entry in ClinVar:

NM_001105206.3(LAMA4):c.2942T>G (p.Val981Gly)

Gene: LAMA4 (laminin subunit alpha 4; minus strand). Cytogenetic location: 6q21.
Variant type: single nucleotide variant.
Coding change: c.2942T>G on transcript NM_001105206.3 (MANE Select); coding-DNA position 2942, T replaced by G.
Protein change: p.Val981Gly; replaces valine 981 with glycine.
Molecular consequence: missense variant.
Genome position (GRCh38, 1-based): chr6:112,140,794, A>C on the plus strand (T>G on the coding strand, the complement: LAMA4 is on the minus strand). VCF-style: chr6-112140794-A-C. GRCh37 (hg19) VCF-style: chr6-112461996-A-C.
Other names: c.2921T>G, p.Val974Gly (NM_001105207.3, NM_002290.5); short protein forms V974G, V981G.
Identifiers: ClinVar variation 4743894 (VCV004743894.1).

ClinVar aggregate classification (germline): Uncertain significance (1 of 4 stars; one submission).

Conditions:
Dilated cardiomyopathy 1JJ (CMD1JJ). Identifiers: Orphanet 154, MedGen C3808935, MONDO:0014095, OMIM 615235.

gnomAD v4.1: 1 of 1,614,056 alleles (0.000062%); highest among the groups gnomAD compares: Non-Finnish European, 0.000085%; no homozygotes.

Submission:

Labcorp Genetics (formerly Invitae), Labcorp
Classification: Uncertain significance for Dilated cardiomyopathy 1JJ. Last evaluated: 2025-05-06. Review status: criteria provided, single submitter. Criteria: Invitae Variant Classification Sherloc (09022015). Collection method: clinical testing. Allele origin: germline.
Comment: This sequence change replaces valine, which is neutral and non-polar, with glycine, which is neutral and non-polar, at codon 974 of the LAMA4 protein (p.Val974Gly). This variant is not present in population databases (gnomAD no frequency). This variant has not been reported in the literature in individuals affected with LAMA4-related conditions. Invitae Evidence Modeling of protein sequence and biophysical properties (such as structural, functional, and spatial information, amino acid conservation, physicochemical variation, residue mobility, and thermodynamic stability) indicates that this missense variant is expected to disrupt LAMA4 protein function with a positive predictive value of 80%. In summary, the available evidence is currently insufficient to determine the role of this variant in disease. Therefore, it has been classified as a Variant of Uncertain Significance.